The following is an entry in ClinVar:

ClinVar aggregate classification (germline): Uncertain significance (1 of 4 stars; one submission).

Conditions:
Primary ciliary dyskinesia 3. Identifiers: Orphanet 244, MedGen C1837618, MONDO:0012085, OMIM 608644.

Submission:

Victorian Clinical Genetics Services, Murdoch Childrens Research Institute
Classification: Uncertain significance for Primary ciliary dyskinesia 3. Last evaluated: 2024-10-18. Review status: criteria provided, single submitter. Criteria: ACMG Guidelines, 2015. Collection method: clinical testing. Allele origin: germline. Affected: yes.
Comment: This variant is classified as VUS-3A. Evidence in support of pathogenic classification: Non-canonical splice site variant without proven consequence on splicing (no functional evidence available); Variant is absent from gnomAD (v2, v3 and v4). Additional information: This variant is heterozygous; This gene is associated with autosomal recessive disease; This variant has no previous evidence of pathogenicity; No published segregation evidence has been identified for this variant; No published functional evidence has been identified for this variant; No comparable splice site variants have previous evidence for pathogenicity; in silico prediction for abnormal splicing are conflicting; Loss of function is a known mechanism of disease in this gene and is associated with primary ciliary dyskinesia 3, with or without situs inversus (MIM#608644); Inheritance information for this variant is not currently available in this individual.

NM_001369.3(DNAH5):c.2052+5G>A

Gene: DNAH5 (dynein axonemal heavy chain 5; minus strand). Cytogenetic location: 5p15.2.
Variant type: single nucleotide variant.
Coding change: c.2052+5G>A on transcript NM_001369.3 (MANE Select); 5 bases into the intron after coding-DNA position 2052, G replaced by A.
Molecular consequence: intron variant.
Genome position (GRCh38, 1-based): chr5:13,901,247, C>T on the plus strand (G>A on the coding strand, the complement: DNAH5 is on the minus strand). VCF-style: chr5-13901247-C-T. GRCh37 (hg19) VCF-style: chr5-13901356-C-T.
Identifiers: ClinVar variation 4531970 (VCV004531970.1).